The following is an entry in ClinVar:

ClinVar aggregate classification (germline): Pathogenic. Review status: criteria provided, multiple submitters, no conflicts (2 of 4 stars). 2 submissions from 2 submitters: Pathogenic (2). Last evaluated 2025-12-18.

Conditions:
Tuberous sclerosis 2 (TSC2). Identifiers: Orphanet 805, MedGen C1860707, MONDO:0013199, OMIM 613254.

Submissions (2):

3billion
Classification: Pathogenic for Tuberous sclerosis 2. Last evaluated: 2025-12-18. Review status: criteria provided, single submitter. Criteria: ACMG Guidelines, 2015. Collection method: clinical testing. Allele origin: germline. Affected: yes.
Comment: The variant is not observed in the gnomAD v4.1.0 dataset. Predicted Consequence/Location: Canonical splice site: predicted to alter splicing and result in a loss or disruption of normal protein function. Multiple pathogenic loss-of-function variants are reported downstream of the variant. In silico tools predict the variant to alter splicing and produce an abnormal transcript [SpliceAI: 0.99 (spliceogenicity >=0.2, non-spliceogenicity <0.1)]. The variant has been reported to be associated with TSC2-related disorder (ClinVar ID: VCV000406119). Therefore, this variant is classified as Pathogenic according to the recommendation of ACMG/AMP guideline.

Labcorp Genetics (formerly Invitae), Labcorp
Classification: Pathogenic for Tuberous sclerosis 2. Last evaluated: 2025-01-20. Review status: criteria provided, single submitter. Criteria: Invitae Variant Classification Sherloc (09022015). Collection method: clinical testing. Allele origin: germline.
Comment: This sequence change affects a donor splice site in intron 35 of the TSC2 gene. It is expected to disrupt RNA splicing. Variants that disrupt the donor or acceptor splice site typically lead to a loss of protein function (PMID: 16199547), and loss-of-function variants in TSC2 are known to be pathogenic (PMID: 10205261, 17304050). This variant is not present in population databases (gnomAD no frequency). Disruption of this splice site has been observed in individual(s) with tuberous sclerosis complex (PMID: 29476190, 31525612). ClinVar contains an entry for this variant (Variation ID: 406119). Algorithms developed to predict the effect of sequence changes on RNA splicing suggest that this variant may disrupt the consensus splice site. For these reasons, this variant has been classified as Pathogenic.

Literature cited by the submitters: PubMed 16199547 (cited by Labcorp Genetics (formerly Invitae), Labcorp); PubMed 10205261 (cited by Labcorp Genetics (formerly Invitae), Labcorp); PubMed 17304050 (cited by Labcorp Genetics (formerly Invitae), Labcorp); PubMed 29476190 (cited by Labcorp Genetics (formerly Invitae), Labcorp); PubMed 31525612 (cited by Labcorp Genetics (formerly Invitae), Labcorp).

NM_000548.5(TSC2):c.4569+1G>T

Gene: TSC2 (TSC complex subunit 2; plus strand). Cytogenetic location: 16p13.3.
Variant type: single nucleotide variant.
Coding change: c.4569+1G>T on transcript NM_000548.5 (MANE Select); the canonical splice donor site of the intron after coding-DNA position 4569, G replaced by T.
Molecular consequence: splice donor variant.
Genome position (GRCh38, 1-based): chr16:2,085,027, G>T. VCF-style: chr16-2085027-G-T. GRCh37 (hg19) VCF-style: chr16-2135028-G-T.
Other names: c.3024+1G>T (NM_001406696.1, NM_001406697.1, NM_001406695.1); c.4359+1G>T (NM_001406671.1); c.4356+1G>T (NM_001406673.1); c.3909+1G>T (NM_001406681.1); c.4389+1G>T (NM_001406670.1); c.4260+1G>T (NM_001318827.2); c.4257+1G>T (NM_001406678.1); c.3900+1G>T (NM_001406682.1, NM_001406683.1); and 26 more.
Identifiers: ClinVar variation 406119 (VCV000406119.8), dbSNP rs1060500972, ClinGen allele CA16614777.